The following is an entry in ClinVar:

ClinVar aggregate classification (germline): Uncertain significance (1 of 4 stars; one submission).

Submission:

Dasa
Classification: Uncertain significance. Last evaluated: 2025-07-30. Review status: criteria provided, single submitter. Criteria: DASA Assertion Criteria. Collection method: clinical testing. Allele origin: germline.
Comment: NM_001282650.2(SLC35A2):c.130+5G>C is a splice-region variant. This variant is absent from population databases. Computational prediction algorithms are consistent with a benign effect. The currently available literature and clinical evidence are not sufficient to establish a definitive association between this variant and the reported condition. Therefore, this variant is classified as a variant of uncertain significance.

NM_005660.3(SLC35A2):c.91+44G>C

Gene: SLC35A2 (solute carrier family 35 member A2; minus strand). Cytogenetic location: Xp11.23.
Variant type: single nucleotide variant.
Coding change: c.91+44G>C on transcript NM_005660.3 (MANE Select); 44 bases into the intron after coding-DNA position 91, G replaced by C.
Molecular consequence: intron variant.
Genome position (GRCh38, 1-based): chrX:48,911,502, C>G on the plus strand (G>C on the coding strand, the complement: SLC35A2 is on the minus strand). VCF-style: chrX-48911502-C-G. GRCh37 (hg19) VCF-style: chrX-48768779-C-G.
Other names: c.91+44G>C (NM_001282649.2, NM_001282647.2, NM_001042498.3 and 2 more transcripts); c.130+5G>C (NM_001282650.2); c.19+357G>C (NM_001282648.2).
Identifiers: ClinVar variation 4885472 (VCV004885472.2).